The following is an entry in ClinVar:

NM_006994.5(BTN3A3):c.204G>A (p.Val68=)

Gene: BTN3A3 (butyrophilin subfamily 3 member A3; plus strand). Cytogenetic location: 6p22.2.
Variant type: single nucleotide variant.
Coding change: c.204G>A on transcript NM_006994.5 (MANE Select); coding-DNA position 204, G replaced by A.
Protein change: p.Val68=; no amino-acid change (valine 68 retained).
Molecular consequence: synonymous variant.
Genome position (GRCh38, 1-based): chr6:26,444,075, G>A. VCF-style: chr6-26444075-G-A. GRCh37 (hg19) VCF-style: chr6-26444303-G-A.
Other names: c.78G>A, p.Val26= (NM_001242803.2, NM_197974.3).
Identifiers: ClinVar variation 2656311 (VCV002656311.24), dbSNP rs201309184, ClinGen allele CA3673725.

ClinVar aggregate classification (germline): Likely benign (1 of 4 stars; one submission).

Allele frequency attached by ClinVar (database versions not stated): ExAC 0.00002; 1000 Genomes Project 0.00040; 1000 Genomes Project 30x 0.00047; gnomAD exomes 0.00083; TOPMed 0.00087; gnomAD 0.00094.
gnomAD v4.1: 1,341 of 1,612,182 alleles (0.083%); highest among the groups gnomAD compares: Non-Finnish European, 0.11%; 4 homozygotes.

Submission:

CeGaT Center for Human Genetics Tuebingen
Classification: Likely benign. Last evaluated: 2023-03-01. Review status: criteria provided, single submitter. Criteria: CeGaT Center For Human Genetics Tuebingen Variant Classification Criteria Version 2. Collection method: clinical testing. Allele origin: germline. Affected: yes. Observed: 1 variant allele.
Comment: BTN3A3: BP4, BP7